The following is an entry in ClinVar:

NM_017654.4(SAMD9):c.2749C>T (p.Leu917Phe)

Gene: SAMD9 (sterile alpha motif domain containing 9; minus strand). Cytogenetic location: 7q21.2.
Variant type: single nucleotide variant.
Coding change: c.2749C>T on transcript NM_017654.4 (MANE Select); coding-DNA position 2749, C replaced by T.
Protein change: p.Leu917Phe; replaces leucine 917 with phenylalanine.
Molecular consequence: missense variant.
Genome position (GRCh38, 1-based): chr7:93,103,349, G>A on the plus strand (C>T on the coding strand, the complement: SAMD9 is on the minus strand). VCF-style: chr7-93103349-G-A. GRCh37 (hg19) VCF-style: chr7-92732662-G-A.
Other names: c.2749C>T, p.Leu917Phe (NM_001193307.2); short protein forms L917F.
Identifiers: ClinVar variation 1386443 (VCV001386443.6), dbSNP rs2116416766, ClinGen allele CA368189626.

ClinVar aggregate classification (germline): Uncertain significance (1 of 4 stars; one submission).

Allele frequency attached by ClinVar (database versions not stated): gnomAD exomes below 0.00001.

Submission:

Labcorp Genetics (formerly Invitae), Labcorp
Classification: Uncertain significance. Last evaluated: 2021-10-12. Review status: criteria provided, single submitter. Criteria: Invitae Variant Classification Sherloc (09022015). Collection method: clinical testing. Allele origin: germline.
Comment: In summary, the available evidence is currently insufficient to determine the role of this variant in disease. Therefore, it has been classified as a Variant of Uncertain Significance. Algorithms developed to predict the effect of missense changes on protein structure and function are either unavailable or do not agree on the potential impact of this missense change (SIFT: "Deleterious"; PolyPhen-2: "Possibly Damaging"; Align-GVGD: "Class C0"). This variant has not been reported in the literature in individuals affected with SAMD9-related conditions. This variant is not present in population databases (ExAC no frequency). This sequence change replaces leucine with phenylalanine at codon 917 of the SAMD9 protein (p.Leu917Phe). The leucine residue is moderately conserved and there is a small physicochemical difference between leucine and phenylalanine.